The following is an entry in ClinVar:

ClinVar aggregate classification (germline): Uncertain significance. Review status: criteria provided, multiple submitters, no conflicts (2 of 4 stars). 2 submissions from 2 submitters: Uncertain significance (2). Last evaluated 2021-11-02.

Conditions:
Hereditary cancer-predisposing syndrome. Also called: Tumor predisposition; Hereditary neoplastic syndrome; Hereditary Cancer Syndrome; Neoplastic Syndromes, Hereditary. Identifiers: Orphanet 140162, MedGen C0027672, MeSH D009386, MONDO:0015356.
Peutz-Jeghers syndrome (PJS). Also called: POLYPOSIS, HAMARTOMATOUS INTESTINAL; POLYPS-AND-SPOTS SYNDROME; Peutz-Jeghers polyposis; Periorificial lentiginosis syndrome. Identifiers: Orphanet 2869, MedGen C0031269, MeSH D010580, MONDO:0008280, OMIM 175200.

Submissions (2):

Labcorp Genetics (formerly Invitae), Labcorp
Classification: Uncertain significance for Peutz-Jeghers syndrome. Last evaluated: 2021-11-02. Review status: criteria provided, single submitter. Criteria: Invitae Variant Classification Sherloc (09022015). Collection method: clinical testing. Allele origin: germline.
Comment: This sequence change replaces threonine, which is neutral and polar, with serine, which is neutral and polar, at codon 189 of the STK11 protein (p.Thr189Ser). This variant is not present in population databases (gnomAD no frequency). This variant has not been reported in the literature in individuals affected with STK11-related conditions. Advanced modeling of protein sequence and biophysical properties (such as structural, functional, and spatial information, amino acid conservation, physicochemical variation, residue mobility, and thermodynamic stability) performed at Invitae indicates that this missense variant is not expected to disrupt STK11 protein function. In summary, the available evidence is currently insufficient to determine the role of this variant in disease. Therefore, it has been classified as a Variant of Uncertain Significance.

Ambry Genetics
Classification: Uncertain significance for Hereditary cancer-predisposing syndrome. Last evaluated: 2021-09-15. Review status: criteria provided, single submitter. Criteria: Ambry Variant Classification Scheme 2023. Collection method: clinical testing. Allele origin: germline.
Comment: The p.T189S variant (also known as c.566C>G), located in coding exon 4 of the STK11 gene, results from a C to G substitution at nucleotide position 566. The threonine at codon 189 is replaced by serine, an amino acid with similar properties. This amino acid position is well conserved in available vertebrate species. In addition, this alteration is predicted to be tolerated by in silico analysis. Since supporting evidence is limited at this time, the clinical significance of this alteration remains unclear.

NM_000455.5(STK11):c.566C>G (p.Thr189Ser)

Gene: STK11 (serine/threonine kinase 11; plus strand). Cytogenetic location: 19p13.3.
Variant type: single nucleotide variant.
Coding change: c.566C>G on transcript NM_000455.5 (MANE Select); coding-DNA position 566, C replaced by G.
Protein change: p.Thr189Ser; replaces threonine 189 with serine.
Molecular consequence: missense variant.
Genome position (GRCh38, 1-based): chr19:1,220,474, C>G. VCF-style: chr19-1220474-C-G. GRCh37 (hg19) VCF-style: chr19-1220473-C-G.
Other names: short protein forms T189S.
Identifiers: ClinVar variation 1448396 (VCV001448396.8), dbSNP rs587781515, ClinGen allele CA402949212.